The following is an entry in ClinVar:

NM_001256715.2(DNAAF3):c.228+63T>G

Genes: DNAAF3 (dynein axonemal assembly factor 3; minus strand), DNAAF3-AS1 (DNAAF3 antisense RNA 1; plus strand). Cytogenetic location: 19q13.42.
Variant type: single nucleotide variant.
Coding change: c.228+63T>G on transcript NM_001256715.2 (MANE Select); 63 bases into the intron after coding-DNA position 228, T replaced by G.
Molecular consequence: intron variant. On other transcripts: missense variant (1).
Genome position (GRCh38, 1-based): chr19:55,165,795, A>C on the plus strand (T>G on the coding strand, the complement: DNAAF3 is on the minus strand). VCF-style: chr19-55165795-A-C. GRCh37 (hg19) VCF-style: chr19-55677163-A-C.
Other names: c.53T>G, p.Ile18Ser (NM_001256716.2); c.369+63T>G (NM_178837.4); c.432+63T>G (NM_001256714.1); c.53T>G (NM_001256716.1); short protein forms I18S.
Identifiers: ClinVar variation 4944004 (VCV004944004.2).

ClinVar aggregate classification (germline): Likely benign. Review status: criteria provided, multiple submitters, no conflicts (2 of 4 stars). 2 submissions from 2 submitters: Likely benign (2). Last evaluated 2025-02-18.

Conditions:
DNAAF3-related disorder. Also called: DNAAF3-related condition.

gnomAD v4.1: 925 of 1,571,352 alleles (0.059%); highest among the groups gnomAD compares: Middle Eastern, 0.45%; 4 homozygotes.

Submissions (2):

PreventionGenetics, part of Exact Sciences
Classification: Likely benign for DNAAF3-related condition. Last evaluated: 2025-02-18. Review status: criteria provided, single submitter. Criteria: ACMG Guidelines, 2015. Collection method: clinical testing. Allele origin: germline.
Comment: This variant is classified as likely benign based on ACMG/AMP sequence variant interpretation guidelines (Richards et al. 2015 PMID: 25741868, with internal and published modifications).

Blueprint Genetics
Classification: Likely benign. Last evaluated: 2024-11-27. Review status: criteria provided, single submitter. Criteria: ACMG Guidelines, 2015. Collection method: clinical testing. Allele origin: germline.